The following is an entry in ClinVar:

ClinVar aggregate classification (germline): Likely benign. Review status: criteria provided, single submitter (1 of 4 stars). 2 submissions from 2 submitters: Likely benign (1). 1 of the submissions does not count toward it. Last evaluated 2025-09-02.

Conditions:
INVS-related disorder. Also called: INVS-related condition.
Nephronophthisis. Also called: Juvenile Nephronophthisis. Identifiers: Orphanet 655, MedGen C0687120, MONDO:0019005, HP:0000090.

Allele frequency attached by ClinVar (database versions not stated): gnomAD 0.00001; gnomAD exomes 0.00001; ExAC 0.00002; TOPMed 0.00002.
gnomAD v4.1: 135 of 1,613,656 alleles (0.0084%); highest among the groups gnomAD compares: Non-Finnish European, 0.011%; no homozygotes.

Submissions (2):

Labcorp Genetics (formerly Invitae), Labcorp
Classification: Likely benign for Nephronophthisis. Last evaluated: 2025-09-02. Review status: criteria provided, single submitter. Criteria: Invitae Variant Classification Sherloc (09022015). Collection method: clinical testing. Allele origin: germline.

PreventionGenetics, part of Exact Sciences
Classification: Likely benign for INVS-related condition. Last evaluated: 2023-09-18. Review status: no assertion criteria provided. Collection method: clinical testing. Allele origin: germline. Not counted in ClinVar's aggregate classification.
Comment: This variant is classified as likely benign based on ACMG/AMP sequence variant interpretation guidelines (Richards et al. 2015 PMID: 25741868, with internal and published modifications).

NM_014425.5(INVS):c.2031C>T (p.Ser677=)

Gene: INVS (inversin; plus strand). Cytogenetic location: 9q31.1.
Variant type: single nucleotide variant.
Coding change: c.2031C>T on transcript NM_014425.5 (MANE Select); coding-DNA position 2031, C replaced by T.
Protein change: p.Ser677=; no amino-acid change (serine 677 retained).
Molecular consequence: synonymous variant. On other transcripts: non-coding transcript variant (1).
Genome position (GRCh38, 1-based): chr9:100,284,566, C>T. VCF-style: chr9-100284566-C-T. GRCh37 (hg19) VCF-style: chr9-103046848-C-T.
Other names: c.1743C>T, p.Ser581= (NM_001318381.2); c.1053C>T, p.Ser351= (NM_001318382.2); c.2031C>T (NM_014425.4).
Identifiers: ClinVar variation 1648556 (VCV001648556.10), dbSNP rs756240366, ClinGen allele CA5158534.
Genomic context (GRCh38, chr9:100,284,566, plus strand): 5'-CAGCAGAGGATCTCCAGGAGGGTCTCTAGGCGGAGCCCTCCAGAAGGAGCAGCATGTTTC[C>T]TCAGATTTGCAGGGAACAAACTCCAGAAGGCCAAATGGTAGGTGTATTGCCTTTGTCATC-3'
Protein context (NP_055240.2, residues 667-687): GGALQKEQHV[Ser677=]SDLQGTNSRR